The following is an entry in ClinVar:

ClinVar aggregate classification (germline): Uncertain significance. Review status: criteria provided, multiple submitters, no conflicts (2 of 4 stars). 2 submissions from 2 submitters: Uncertain significance (2). Last evaluated 2023-10-01.

Conditions:
Endometrial carcinoma. Also called: Endometrial carcinoma, somatic. Identifiers: MedGen C0476089, MONDO:0002447, OMIM 608089, HP:0012114.

Submissions (2):

Baylor Genetics
Classification: Uncertain significance for Endometrial carcinoma. Last evaluated: 2023-10-01. Review status: criteria provided, single submitter. Criteria: ACMG Guidelines, 2015. Collection method: clinical testing. Allele origin: unknown.

Labcorp Genetics (formerly Invitae), Labcorp
Classification: Uncertain significance. Last evaluated: 2023-05-05. Review status: criteria provided, single submitter. Criteria: Invitae Variant Classification Sherloc (09022015). Collection method: clinical testing. Allele origin: germline.
Comment: This variant is not present in population databases (gnomAD no frequency). In summary, the available evidence is currently insufficient to determine the role of this variant in disease. Therefore, it has been classified as a Variant of Uncertain Significance. An algorithm developed to predict the effect of missense changes on protein structure and function (PolyPhen-2) suggests that this variant is likely to be disruptive. This variant has not been reported in the literature in individuals affected with MSH3-related conditions. This sequence change replaces leucine, which is neutral and non-polar, with arginine, which is basic and polar, at codon 163 of the MSH3 protein (p.Leu163Arg).

NM_002439.5(MSH3):c.488T>G (p.Leu163Arg)

Gene: MSH3 (mutS homolog 3; plus strand). Cytogenetic location: 5q14.1.
Variant type: single nucleotide variant.
Coding change: c.488T>G on transcript NM_002439.5 (MANE Select); coding-DNA position 488, T replaced by G.
Protein change: p.Leu163Arg; replaces leucine 163 with arginine.
Molecular consequence: missense variant.
Genome position (GRCh38, 1-based): chr5:80,665,272, T>G. VCF-style: chr5-80665272-T-G. GRCh37 (hg19) VCF-style: chr5-79961091-T-G.
Other names: short protein forms L163R.
Identifiers: ClinVar variation 2676737 (VCV002676737.4), dbSNP rs2546717494, ClinGen allele CA360263803.